The following is an entry in ClinVar:

NM_030665.4(RAI1):c.1797C>T (p.Leu599=)

Gene: RAI1 (retinoic acid induced 1; plus strand). Cytogenetic location: 17p11.2.
Variant type: single nucleotide variant.
Coding change: c.1797C>T on transcript NM_030665.4 (MANE Select); coding-DNA position 1797, C replaced by T.
Protein change: p.Leu599=; no amino-acid change (leucine 599 retained).
Molecular consequence: synonymous variant.
Genome position (GRCh38, 1-based): chr17:17,794,745, C>T. VCF-style: chr17-17794745-C-T. GRCh37 (hg19) VCF-style: chr17-17698059-C-T.
Other names: c.1797C>T (NM_030665.3).
Identifiers: ClinVar variation 1582107 (VCV001582107.10), dbSNP rs373388618, ClinGen allele CA288367937.
Genomic context (GRCh38, chr17:17,794,745, plus strand): 5'-GCCGCTCGACAGCTTCTCCAAGTTCGTGGCGGGTGAGCGGGACTGTCCGCGGCTGCTGCT[C>T]AGCGCCCTGGCACAGGAGGACCTGGCCTCCGAGATCCTGGGGCTGCAGGAAGCCATCGGT-3'
Protein context (NP_109590.3, residues 589-609): AGERDCPRLL[Leu599=]SALAQEDLAS

ClinVar aggregate classification (germline): Likely benign. Review status: criteria provided, single submitter (1 of 4 stars). 2 submissions from 2 submitters: Likely benign (1). 1 of the submissions does not count toward it. Last evaluated 2025-08-18.

Conditions:
RAI1-related disorder. Also called: RAI1-related condition.

gnomAD v4.1: 41 of 1,612,416 alleles (0.0025%); highest among the groups gnomAD compares: Non-Finnish European, 0.0034%; no homozygotes.

Submissions (2):

Labcorp Genetics (formerly Invitae), Labcorp
Classification: Likely benign. Last evaluated: 2025-08-18. Review status: criteria provided, single submitter. Criteria: Invitae Variant Classification Sherloc (09022015). Collection method: clinical testing. Allele origin: germline.

PreventionGenetics, part of Exact Sciences
Classification: Likely benign for RAI1-related condition. Last evaluated: 2019-11-07. Review status: no assertion criteria provided. Collection method: clinical testing. Allele origin: germline. Not counted in ClinVar's aggregate classification.
Comment: This variant is classified as likely benign based on ACMG/AMP sequence variant interpretation guidelines (Richards et al. 2015 PMID: 25741868, with internal and published modifications).